The following continues an entry in ClinVar:

NM_000155.4(GALT):c.772C>T (p.Arg258Cys)

Gene: GALT. ClinVar aggregate classification (germline): Likely pathogenic. Likely pathogenic (1).

Submissions 11 to 18 of 18:

Baylor Genetics
Classification: Pathogenic for Deficiency of UDPglucose-hexose-1-phosphate uridylyltransferase. Last evaluated: 2024-03-30. Review status: criteria provided, single submitter. Criteria: ACMG Guidelines, 2015. Collection method: clinical testing. Allele origin: unknown. Not counted in ClinVar's aggregate classification.

Revvity Omics, Revvity
Classification: Likely pathogenic for Deficiency of UDPglucose-hexose-1-phosphate uridylyltransferase. Last evaluated: 2024-02-19. Review status: criteria provided, single submitter. Criteria: ACMG Guidelines, 2015. Collection method: clinical testing. Allele origin: germline. Not counted in ClinVar's aggregate classification.

GeneDx
Classification: Pathogenic. Last evaluated: 2023-06-09. Review status: criteria provided, single submitter. Criteria: GeneDx Variant Classification Process June 2021. Collection method: clinical testing. Allele origin: germline. Affected: yes. Not counted in ClinVar's aggregate classification.
Comment: This individual had >5% residual enzyme activity in erythrocytes and a Duarte-like isoelectric focusing banding pattern (Berry et al., 2000); Considered a milder GALT variant (Korner et al., 2019); Not observed at significant frequency in large population cohorts (gnomAD); In silico analysis supports that this missense variant has a deleterious effect on protein structure/function; This variant is associated with the following publications: (PMID: 25087612, 30718057, 15633893, 30808388, 31194895, 10408771, 20008339, 23690308, 10960497, 17876724, 29350350, 11261429, 10384398, 31194252, 34426522, 35677809)

Blueprint Genetics
Classification: Likely pathogenic for GALT-related disorders. Last evaluated: 2022-10-12. Review status: criteria provided, single submitter. Criteria: ACMG Guidelines, 2015. Collection method: clinical testing. Allele origin: germline. Affected: yes. Observed: 5 variant alleles. Not counted in ClinVar's aggregate classification.

ARUP Laboratories, Molecular Genetics and Genomics, ARUP Laboratories
Classification: Likely pathogenic. Last evaluated: 2017-08-01. Review status: criteria provided, single submitter. Criteria: ARUP Molecular Germline Variant Investigation Process. Collection method: clinical testing. Allele origin: germline. Not counted in ClinVar's aggregate classification.

Eurofins Ntd Llc (ga)
Classification: Pathogenic. Last evaluated: 2013-07-16. Review status: criteria provided, single submitter. Criteria: EGL Classification Definitions 2015. Collection method: clinical testing. Allele origin: germline. Observed: 7 variant alleles, 6 heterozygotes, 1 homozygote. Not counted in ClinVar's aggregate classification.

Biochemical Molecular Genetic Laboratory, King Abdulaziz Medical City
Classification: Likely pathogenic for Deficiency of UDPglucose-hexose-1-phosphate uridylyltransferase. Last evaluated: 2020-10-11. Review status: no assertion criteria provided. Collection method: clinical testing. Allele origin: germline. Affected: yes. Not counted in ClinVar's aggregate classification.

Counsyl
Classification: Likely pathogenic for Deficiency of UDPglucose-hexose-1-phosphate uridylyltransferase. Last evaluated: 2019-03-13. Review status: no assertion criteria provided. Collection method: clinical testing. Allele origin: unknown. Not counted in ClinVar's aggregate classification.

Literature cited by the submitters: PubMed 10960497 (cited by 7 submitters); PubMed 30718057 (cited by 3 submitters); PubMed 38469090 (cited by Dasa and Mayo Clinic Laboratories, Mayo Clinic); PubMed 33636947 (cited by 4 submitters); PubMed 35118398 (cited by Natera, Inc. and Mayo Clinic Laboratories, Mayo Clinic); PubMed 10384398 (cited by 3 submitters); PubMed 10408771 (cited by Mayo Clinic Laboratories, Mayo Clinic and Women's Health and Genetics/Laboratory Corporation of America, LabCorp); PubMed 11261429 (cited by Mayo Clinic Laboratories, Mayo Clinic and Women's Health and Genetics/Laboratory Corporation of America, LabCorp); PubMed 15633893 (cited by 4 submitters); PubMed 20008339 (cited by Mayo Clinic Laboratories, Mayo Clinic and Women's Health and Genetics/Laboratory Corporation of America, LabCorp); PubMed 23690308 (cited by 3 submitters); PubMed 25087612 (cited by Mayo Clinic Laboratories, Mayo Clinic); PubMed 29350350 (cited by Mayo Clinic Laboratories, Mayo Clinic); PubMed 30808388 (cited by 3 submitters); PubMed 31194895 (cited by 3 submitters); PubMed 34485021 (cited by Mayo Clinic Laboratories, Mayo Clinic and Myriad Genetics, Inc.); PubMed 35677809 (cited by 3 submitters); PubMed 17876724 (cited by Myriad Genetics, Inc. and Counsyl).